The following is an entry in ClinVar:

ClinVar aggregate classification (germline): Uncertain significance (1 of 4 stars; one submission).

Allele frequency attached by ClinVar (database versions not stated): gnomAD 0.00001; gnomAD exomes 0.00001; TOPMed 0.00001.
gnomAD v4.1: 11 of 1,612,266 alleles (0.00068%); highest among the groups gnomAD compares: Non-Finnish European, 0.00093%; no homozygotes.

Submission:

Labcorp Genetics (formerly Invitae), Labcorp
Classification: Uncertain significance. Last evaluated: 2020-12-21. Review status: criteria provided, single submitter. Criteria: Invitae Variant Classification Sherloc (09022015). Collection method: clinical testing. Allele origin: germline.
Comment: In summary, the available evidence is currently insufficient to determine the role of this variant in disease. Therefore, it has been classified as a Variant of Uncertain Significance. Algorithms developed to predict the effect of missense changes on protein structure and function (SIFT, PolyPhen-2, Align-GVGD) all suggest that this variant is likely to be tolerated, but these predictions have not been confirmed by published functional studies and their clinical significance is uncertain. This variant has not been reported in the literature in individuals with MAPKBP1-related conditions. This variant is not present in population databases (ExAC no frequency). This sequence change replaces leucine with isoleucine at codon 503 of the MAPKBP1 protein (p.Leu503Ile). The leucine residue is highly conserved and there is a small physicochemical difference between leucine and isoleucine.

NM_014994.3(MAPKBP1):c.1489C>A (p.Leu497Ile)

Gene: MAPKBP1 (mitogen-activated protein kinase binding protein 1; plus strand). Cytogenetic location: 15q15.1.
Variant type: single nucleotide variant.
Coding change: c.1489C>A on transcript NM_014994.3 (MANE Select); coding-DNA position 1489, C replaced by A.
Protein change: p.Leu497Ile; replaces leucine 497 with isoleucine.
Molecular consequence: missense variant. On other transcripts: non-coding transcript variant (2).
Genome position (GRCh38, 1-based): chr15:41,815,795, C>A. VCF-style: chr15-41815795-C-A. GRCh37 (hg19) VCF-style: chr15-42107993-C-A.
Other names: c.1507C>A, p.Leu503Ile (NM_001128608.2); c.1489C>A, p.Leu497Ile (NM_001265611.2); short protein forms L497I, L503I.
Identifiers: ClinVar variation 1390012 (VCV001390012.8), dbSNP rs915207918, ClinGen allele CA269746005.